The following is an entry in ClinVar:

NM_001458.5(FLNC):c.1160C>G (p.Pro387Arg)

Gene: FLNC (filamin C; plus strand). Cytogenetic location: 7q32.1.
Variant type: single nucleotide variant.
Coding change: c.1160C>G on transcript NM_001458.5 (MANE Select); coding-DNA position 1160, C replaced by G.
Protein change: p.Pro387Arg; replaces proline 387 with arginine.
Molecular consequence: missense variant.
Genome position (GRCh38, 1-based): chr7:128,838,379, C>G. VCF-style: chr7-128838379-C-G. GRCh37 (hg19) VCF-style: chr7-128478433-C-G.
Other names: c.1160C>G, p.Pro387Arg (NM_001127487.2); short protein forms P387R.
Identifiers: ClinVar variation 1406728 (VCV001406728.8), dbSNP rs765434369, ClinGen allele CA369223823.

ClinVar aggregate classification (germline): Uncertain significance (1 of 4 stars; one submission).

Conditions:
Hypertrophic cardiomyopathy 26. Also called: Cardiomyopathy, familial hypertrophic, 26. Identifiers: Orphanet 75249, MedGen C4310749, MONDO:0014883, OMIM 617047.
Myofibrillar myopathy 5. Also called: FILAMINOPATHY, AUTOSOMAL DOMINANT; Filaminopathy (type). Identifiers: Orphanet 171445, MedGen C1836050, MONDO:0012289, OMIM 609524.
Distal myopathy with posterior leg and anterior hand involvement. Also called: WILLIAMS DISTAL MYOPATHY. Identifiers: Orphanet 63273, MedGen C3279722, MONDO:0013550, OMIM 614065.

Submission:

Labcorp Genetics (formerly Invitae), Labcorp
Classification: Uncertain significance for Distal myopathy with posterior leg and anterior hand involvement; Myofibrillar myopathy 5; Hypertrophic cardiomyopathy 26. Last evaluated: 2022-10-24. Review status: criteria provided, single submitter. Criteria: Invitae Variant Classification Sherloc (09022015). Collection method: clinical testing. Allele origin: germline.
Comment: In summary, the available evidence is currently insufficient to determine the role of this variant in disease. Therefore, it has been classified as a Variant of Uncertain Significance. Advanced modeling of protein sequence and biophysical properties (such as structural, functional, and spatial information, amino acid conservation, physicochemical variation, residue mobility, and thermodynamic stability) has been performed at Invitae for this missense variant, however the output from this modeling did not meet the statistical confidence thresholds required to predict the impact of this variant on FLNC protein function. ClinVar contains an entry for this variant (Variation ID: 1406728). This variant has not been reported in the literature in individuals affected with FLNC-related conditions. This variant is not present in population databases (gnomAD no frequency). This sequence change replaces proline, which is neutral and non-polar, with arginine, which is basic and polar, at codon 387 of the FLNC protein (p.Pro387Arg).